The following is an entry in ClinVar:

ClinVar aggregate classification (germline): Uncertain significance. Review status: criteria provided, multiple submitters, no conflicts (2 of 4 stars). 2 submissions from 2 submitters: Uncertain significance (2). Last evaluated 2025-08-01.

Conditions:
Baller-Gerold syndrome (BGS). Also called: CRANIOSYNOSTOSIS WITH RADIAL DEFECTS. Identifiers: Orphanet 1225, MedGen C0265308, MONDO:0009039, OMIM 218600.
Inborn genetic diseases. Identifiers: MedGen C0950123, MeSH D030342.

Allele frequency attached by ClinVar (database versions not stated): TOPMed below 0.00001.
gnomAD v4.1: 1 of 1,611,274 alleles (0.000062%); highest among the groups gnomAD compares: Admixed American, 0.0017%; no homozygotes.

Submissions (2):

Ambry Genetics
Classification: Uncertain significance for Inborn genetic diseases. Last evaluated: 2025-08-01. Review status: criteria provided, single submitter. Criteria: Ambry Variant Classification Scheme 2023. Collection method: clinical testing. Allele origin: germline.
Comment: The p.Y519C variant (also known as c.1556A>G), located in coding exon 9 of the RECQL4 gene, results from an A to G substitution at nucleotide position 1556. The tyrosine at codon 519 is replaced by cysteine, an amino acid with highly dissimilar properties. This amino acid position is conserved. In addition, the in silico prediction for this alteration is inconclusive. Based on the available evidence, the clinical significance of this variant remains unclear.

Labcorp Genetics (formerly Invitae), Labcorp
Classification: Uncertain significance for Baller-Gerold syndrome. Last evaluated: 2023-02-15. Review status: criteria provided, single submitter. Criteria: Invitae Variant Classification Sherloc (09022015). Collection method: clinical testing. Allele origin: germline.
Comment: Advanced modeling of protein sequence and biophysical properties (such as structural, functional, and spatial information, amino acid conservation, physicochemical variation, residue mobility, and thermodynamic stability) performed at Invitae indicates that this missense variant is not expected to disrupt RECQL4 protein function. ClinVar contains an entry for this variant (Variation ID: 1412261). This variant has not been reported in the literature in individuals affected with RECQL4-related conditions. This variant is not present in population databases (gnomAD no frequency). This sequence change replaces tyrosine, which is neutral and polar, with cysteine, which is neutral and slightly polar, at codon 519 of the RECQL4 protein (p.Tyr519Cys). In summary, the available evidence is currently insufficient to determine the role of this variant in disease. Therefore, it has been classified as a Variant of Uncertain Significance.

NM_004260.4(RECQL4):c.1556A>G (p.Tyr519Cys)

Gene: RECQL4 (RecQ like helicase 4; minus strand). Cytogenetic location: 8q24.3.
Variant type: single nucleotide variant.
Coding change: c.1556A>G on transcript NM_004260.4 (MANE Select); coding-DNA position 1556, A replaced by G.
Protein change: p.Tyr519Cys; replaces tyrosine 519 with cysteine.
Molecular consequence: missense variant.
Genome position (GRCh38, 1-based): chr8:144,515,000, T>C on the plus strand (A>G on the coding strand, the complement: RECQL4 is on the minus strand). VCF-style: chr8-144515000-T-C. GRCh37 (hg19) VCF-style: chr8-145740384-T-C.
Other names: c.1556A>G (NM_004260.3); short protein forms Y519C.
Identifiers: ClinVar variation 1412261 (VCV001412261.7), dbSNP rs1038685366, ClinGen allele CA187687010.